The following is an entry in ClinVar:

ClinVar aggregate classification (germline): Likely benign. Review status: reviewed by expert panel (3 of 4 stars). 8 submissions from 8 submitters: Likely benign (1). 7 of the submissions do not count toward it. Last evaluated 2017-06-29.

Conditions:
Hereditary cancer-predisposing syndrome. Also called: Hereditary Cancer Syndrome; Hereditary neoplastic syndrome; Tumor predisposition; Neoplastic Syndromes, Hereditary. Identifiers: Orphanet 140162, MedGen C0027672, MeSH D009386, MONDO:0015356.
Hereditary breast ovarian cancer syndrome. Also called: Hereditary breast and ovarian cancer syndrome; Hereditary breast and ovarian cancer syndrome (HBOC); BRCA1- and BRCA2-Associated Hereditary Breast and Ovarian Cancer; Breast and ovarian cancer; Hereditary breast and ovarian cancer; Hereditary breast and/or ovarian cancer syndrome. Identifiers: Orphanet 145, MedGen C0677776, MeSH D061325, MONDO:0003582. Disease mechanism: loss of function.
Breast-ovarian cancer, familial, susceptibility to, 1 (BROVCA1). Also called: OVARIAN CANCER, SUSCEPTIBILITY TO; BRCA1 Hereditary Breast and Ovarian Cancer. Identifiers: Orphanet 145, MedGen C2676676, MONDO:0011450, OMIM 604370. Disease mechanism: loss of function.

Allele frequency attached by ClinVar (database versions not stated): gnomAD exomes below 0.00001 and 0.00001; TOPMed below 0.00001; gnomAD 0.00001.
gnomAD v4.1: 16 of 1,614,046 alleles (0.00099%); highest among the groups gnomAD compares: Non-Finnish European, 0.0014%; no homozygotes.

Submissions (8):

Evidence-based Network for the Interpretation of Germline Mutant Alleles (ENIGMA)
Classification: Likely benign for Breast-ovarian cancer, familial, susceptibility to, 1. Last evaluated: 2017-06-29. Review status: reviewed by expert panel. Criteria: ENIGMA BRCA1/2 Classification Criteria (2017-06-29). Collection method: curation. Allele origin: germline.
Comment: Synonymous substitution variant, with low bioinformatic likelihood to result in a splicing aberration (Splicing prior probability 0.02).

Labcorp Genetics (formerly Invitae), Labcorp
Classification: Likely benign for Hereditary breast ovarian cancer syndrome. Last evaluated: 2026-01-14. Review status: criteria provided, single submitter. Criteria: Invitae Variant Classification Sherloc (09022015). Collection method: clinical testing. Allele origin: germline. Not counted in ClinVar's aggregate classification.

All of Us Research Program, National Institutes of Health
Classification: Likely benign for Breast-ovarian cancer, familial, susceptibility to, 1. Last evaluated: 2023-06-26. Review status: criteria provided, single submitter. Criteria: ACMG Guidelines, 2015. Collection method: clinical testing. Allele origin: germline. Inheritance: Autosomal dominant inheritance. Observed: 1 variant allele, 1 heterozygote. Not counted in ClinVar's aggregate classification.
Comment: This study involves interpretation of variants in research participants for the purpose of population health screening. Participant phenotype was not available at the time of variant classification. Additional details can be found in publication PMID: 35346344, PMCID: PMC8962531

Women's Health and Genetics/Laboratory Corporation of America, LabCorp
Classification: Likely benign. Last evaluated: 2022-09-19. Review status: criteria provided, single submitter. Criteria: LabCorp Variant Classification Summary - May 2015. Collection method: clinical testing. Allele origin: germline. Not counted in ClinVar's aggregate classification.

GeneDx
Classification: Likely benign. Last evaluated: 2017-10-23. Review status: criteria provided, single submitter. Criteria: GeneDx Variant Classification (06012015). Collection method: clinical testing. Allele origin: germline. Affected: yes. Not counted in ClinVar's aggregate classification.
Comment: This variant is considered likely benign or benign based on one or more of the following criteria: it is a conservative change, it occurs at a poorly conserved position in the protein, it is predicted to be benign by multiple in silico algorithms, and/or has population frequency not consistent with disease.

Ambry Genetics
Classification: Likely benign for Hereditary cancer-predisposing syndrome. Last evaluated: 2016-02-01. Review status: criteria provided, single submitter. Criteria: Ambry Variant Classification Scheme 2023. Collection method: clinical testing. Allele origin: germline. Not counted in ClinVar's aggregate classification.

Quest Diagnostics Nichols Institute San Juan Capistrano
Classification: Likely benign. Last evaluated: 2015-11-24. Review status: criteria provided, single submitter. Criteria: Quest Diagnostics criteria. Collection method: clinical testing. Allele origin: unknown. Not counted in ClinVar's aggregate classification.

Color Diagnostics, LLC DBA Color Health
Classification: Likely benign for Hereditary cancer-predisposing syndrome. Last evaluated: 2015-08-14. Review status: criteria provided, single submitter. Criteria: ACMG Guidelines, 2015. Collection method: clinical testing. Allele origin: germline. Not counted in ClinVar's aggregate classification.

Literature cited by the submitters: PubMed 16267036 (cited by Quest Diagnostics Nichols Institute San Juan Capistrano).

NM_007294.4(BRCA1):c.1275T>A (p.Ser425=)

Gene: BRCA1 (BRCA1 DNA repair associated; minus strand). Cytogenetic location: 17q21.31.
Variant type: single nucleotide variant.
Coding change: c.1275T>A on transcript NM_007294.4 (MANE Select); coding-DNA position 1275, T replaced by A.
Protein change: p.Ser425=; no amino-acid change (serine 425 retained).
Molecular consequence: synonymous variant. On other transcripts: intron variant (137).
Genome position (GRCh38, 1-based): chr17:43,094,256, A>T on the plus strand (T>A on the coding strand, the complement: BRCA1 is on the minus strand). VCF-style: chr17-43094256-A-T. GRCh37 (hg19) VCF-style: chr17-41246273-A-T.
Other names: c.1275T>A, p.Ser425= (NM_001407622.1, NM_001407623.1, NM_001407624.1 and 30 more transcripts); c.1272T>A, p.Ser424= (NM_001407627.1, NM_001407628.1, NM_001407629.1 and 22 more transcripts); c.1266T>A, p.Ser422= (NM_001407646.1, NM_001407647.1); c.1152T>A, p.Ser384= (NM_001407648.1, NM_001407664.1, NM_001407665.1 and 19 more transcripts); c.1149T>A, p.Ser383= (NM_001407649.1, NM_001407670.1, NM_001407671.1 and 11 more transcripts); c.1197T>A, p.Ser399= (NM_001407653.1, NM_001407654.1, NM_001407655.1 and 4 more transcripts); c.1194T>A, p.Ser398= (NM_001407659.1, NM_001407660.1, NM_001407661.1 and 1 more transcripts); c.1134T>A, p.Ser378= (NM_001407692.1, NM_001407694.1, NM_001407695.1 and 29 more transcripts); and 40 more.
Identifiers: ClinVar variation 183924 (VCV000183924.24), dbSNP rs786201160, ClinGen allele CA000837.
Genomic context (GRCh38, chr17:43,094,256, plus strand): 5'-TTCACTTTTACATATTAAAGCCTCATGAGGATCACTGGCCAGTAAGTCTATTTTCTCTGA[A>T]GAACCAGAATATTCATCTACCTCATTTAGAACGTCCAATACATCAGCTACTTTGGCATTT-3'
Protein context (NP_009225.1, residues 415-435): VLNEVDEYSG[Ser425=]SEKIDLLASD